The following is an entry in ClinVar:

ClinVar aggregate classification (germline): Uncertain significance (1 of 4 stars; one submission).

Conditions:
Neurofibromatosis, type 1 (NF1). Also called: VON RECKLINGHAUSEN DISEASE; Neurofibromatosis, type I; NEUROFIBROMATOSIS, TYPE I, SOMATIC; Peripheral type neurofibromatosis. Identifiers: Orphanet 636, MedGen C0027831, MONDO:0018975, OMIM 162200. Disease mechanism: loss of function.

Submission:

Labcorp Genetics (formerly Invitae), Labcorp
Classification: Uncertain significance for Neurofibromatosis, type 1. Last evaluated: 2020-09-13. Review status: criteria provided, single submitter. Criteria: Invitae Variant Classification Sherloc (09022015). Collection method: clinical testing. Allele origin: germline.
Comment: This variant is not present in population databases (ExAC no frequency). This variant has not been reported in the literature in individuals with NF1-related conditions. Advanced modeling of protein sequence and biophysical properties (such as structural, functional, and spatial information, amino acid conservation, physicochemical variation, residue mobility, and thermodynamic stability) performed at Invitae indicates that this missense variant is expected to disrupt NF1 protein function. In summary, the available evidence is currently insufficient to determine the role of this variant in disease. Therefore, it has been classified as a Variant of Uncertain Significance. This sequence change replaces serine with proline at codon 2165 of the NF1 protein (p.Ser2165Pro). The serine residue is moderately conserved and there is a moderate physicochemical difference between serine and proline.

NM_001042492.3(NF1):c.6556T>C (p.Ser2186Pro)

Gene: NF1 (neurofibromin 1; plus strand). Cytogenetic location: 17q11.2.
Variant type: single nucleotide variant.
Coding change: c.6556T>C on transcript NM_001042492.3 (MANE Select); coding-DNA position 6556, T replaced by C.
Protein change: p.Ser2186Pro; replaces serine 2186 with proline.
Molecular consequence: missense variant.
Genome position (GRCh38, 1-based): chr17:31,337,496, T>C. VCF-style: chr17-31337496-T-C. GRCh37 (hg19) VCF-style: chr17-29664514-T-C.
Other names: c.6493T>C, p.Ser2165Pro (NM_000267.4); short protein forms S2165P, S2186P.
Identifiers: ClinVar variation 1018343 (VCV001018343.5), dbSNP rs765867354, ClinGen allele CA399013271.